The following is an entry in ClinVar:

ClinVar aggregate classification (germline): Pathogenic. Review status: criteria provided, single submitter (1 of 4 stars). 6 submissions from 6 submitters: Pathogenic (1). 5 of the submissions do not count toward it. Last evaluated 2022-01-22.

Conditions:
PRPH2-related disorder. Also called: PRPH2-related condition; PRPH2-related disorders. Identifiers: MedGen CN239395.

Submissions (6):

Labcorp Genetics (formerly Invitae), Labcorp
Classification: Pathogenic for PRPH2-related disorder. Last evaluated: 2022-01-22. Review status: criteria provided, single submitter. Criteria: Invitae Variant Classification Sherloc (09022015). Collection method: clinical testing. Allele origin: germline.
Comment: This sequence change replaces phenylalanine, which is neutral and non-polar, with leucine, which is neutral and non-polar, at codon 211 of the PRPH2 protein (p.Phe211Leu). This variant is not present in population databases (gnomAD no frequency). This missense change has been observed in individuals with autosomal dominant retinitis pigmentosa (PMID: 9673478, 10193525, 25447119). It has also been observed to segregate with disease in related individuals. ClinVar contains an entry for this variant (Variation ID: 98688). Advanced modeling of protein sequence and biophysical properties (such as structural, functional, and spatial information, amino acid conservation, physicochemical variation, residue mobility, and thermodynamic stability) performed at Invitae indicates that this missense variant is expected to disrupt PRPH2 protein function. For these reasons, this variant has been classified as Pathogenic.

Leiden Open Variation Database
Classification: Pathogenic. Last evaluated: 2021-04-06. Review status: no assertion criteria provided. Collection method: curation. Allele origin: germline. Affected: yes. Not counted in ClinVar's aggregate classification.
Comment: Curator: Global Variome, with Curator vacancy. Submitter to LOVD: Manon Peeters.

Clinical Genetics DNA and cytogenetics Diagnostics Lab, Erasmus MC, Erasmus Medical Center
Classification: Pathogenic. Review status: no assertion criteria provided. Collection method: clinical testing. Allele origin: germline. Affected: yes. Study: VKGL Data-share Consensus. Not counted in ClinVar's aggregate classification.

Clinical Genetics, Academic Medical Center
Classification: Likely pathogenic. Review status: no assertion criteria provided. Collection method: clinical testing. Allele origin: germline. Affected: yes. Study: VKGL Data-share Consensus. Not counted in ClinVar's aggregate classification.

Joint Genome Diagnostic Labs from Nijmegen and Maastricht, Radboudumc and MUMC+
Classification: Pathogenic. Review status: no assertion criteria provided. Collection method: clinical testing. Allele origin: germline. Affected: yes. Study: VKGL Data-share Consensus. Not counted in ClinVar's aggregate classification.

Retina International
No classification provided. Review status: no classification provided. Collection method: not provided. Allele origin: not provided. Not counted in ClinVar's aggregate classification.

Literature cited by the submitters: PubMed 9673478 (cited by Labcorp Genetics (formerly Invitae), Labcorp and Leiden Open Variation Database); PubMed 10193525 (cited by Labcorp Genetics (formerly Invitae), Labcorp and Leiden Open Variation Database); PubMed 25447119 (cited by Labcorp Genetics (formerly Invitae), Labcorp); PubMed 9587927 (cited by Leiden Open Variation Database).

NM_000322.5(PRPH2):c.633C>A (p.Phe211Leu)

Gene: PRPH2 (peripherin 2; minus strand). Cytogenetic location: 6p21.1.
Variant type: single nucleotide variant.
Coding change: c.633C>A on transcript NM_000322.5 (MANE Select); coding-DNA position 633, C replaced by A.
Protein change: p.Phe211Leu; replaces phenylalanine 211 with leucine.
Molecular consequence: missense variant.
Genome position (GRCh38, 1-based): chr6:42,704,560, G>T on the plus strand (C>A on the coding strand, the complement: PRPH2 is on the minus strand). VCF-style: chr6-42704560-G-T. GRCh37 (hg19) VCF-style: chr6-42672298-G-T.
Other names: short protein forms F211L.
Identifiers: ClinVar variation 98688 (VCV000098688.14), dbSNP rs61755799, ClinGen allele CA226271.